The following is an entry in ClinVar:

NM_138694.4(PKHD1):c.1240G>A (p.Val414Met)

Gene: PKHD1 (PKHD1 ciliary IPT domain containing fibrocystin/polyductin; minus strand). Cytogenetic location: 6p12.2.
Variant type: single nucleotide variant.
Coding change: c.1240G>A on transcript NM_138694.4 (MANE Select); coding-DNA position 1240, G replaced by A.
Protein change: p.Val414Met; replaces valine 414 with methionine.
Molecular consequence: missense variant.
Genome position (GRCh38, 1-based): chr6:52,058,595, C>T on the plus strand (G>A on the coding strand, the complement: PKHD1 is on the minus strand). VCF-style: chr6-52058595-C-T. GRCh37 (hg19) VCF-style: chr6-51923393-C-T.
Other names: c.1240G>A, p.Val414Met (NM_170724.3); short protein forms V414M.
Identifiers: ClinVar variation 1000728 (VCV001000728.11), dbSNP rs1458077668, ClinGen allele CA364427285.

ClinVar aggregate classification (germline): Uncertain significance. Review status: criteria provided, single submitter (1 of 4 stars). 2 submissions from 2 submitters: Uncertain significance (1). 1 of the submissions does not count toward it. Last evaluated 2022-07-06.

Conditions:
Autosomal recessive polycystic kidney disease (ARPKD). Also called: AR polycystic kidney disease. Identifiers: Orphanet 731, Orphanet 8378, MedGen C0085548, MeSH D017044, MONDO:0009889.

Allele frequency attached by ClinVar (database versions not stated): gnomAD exomes 0.00001 and 0.00002.
gnomAD v4.1: 5 of 1,614,006 alleles (0.00031%); highest among the groups gnomAD compares: Admixed American, 0.0083%; no homozygotes.

Submissions (2):

Labcorp Genetics (formerly Invitae), Labcorp
Classification: Uncertain significance for Autosomal recessive polycystic kidney disease. Last evaluated: 2022-07-06. Review status: criteria provided, single submitter. Criteria: Invitae Variant Classification Sherloc (09022015). Collection method: clinical testing. Allele origin: germline.
Comment: This sequence change replaces valine, which is neutral and non-polar, with methionine, which is neutral and non-polar, at codon 414 of the PKHD1 protein (p.Val414Met). This variant is present in population databases (no rsID available, gnomAD 0.01%). This variant has not been reported in the literature in individuals affected with PKHD1-related conditions. ClinVar contains an entry for this variant (Variation ID: 1000728). Advanced modeling of protein sequence and biophysical properties (such as structural, functional, and spatial information, amino acid conservation, physicochemical variation, residue mobility, and thermodynamic stability) performed at Invitae indicates that this missense variant is not expected to disrupt PKHD1 protein function. In summary, the available evidence is currently insufficient to determine the role of this variant in disease. Therefore, it has been classified as a Variant of Uncertain Significance.

Natera, Inc.
Classification: Uncertain significance for Autosomal recessive polycystic kidney disease. Last evaluated: 2019-02-08. Review status: no assertion criteria provided. Collection method: clinical testing. Allele origin: germline. Not counted in ClinVar's aggregate classification.